The following is an entry in ClinVar:

NM_001378778.1(MPDZ):c.1345C>T (p.Arg449Ter)

Gene: MPDZ (multiple PDZ domain crumbs cell polarity complex component; minus strand). Cytogenetic location: 9p23.
Variant type: single nucleotide variant.
Coding change: c.1345C>T on transcript NM_001378778.1 (MANE Select); coding-DNA position 1345, C replaced by T.
Protein change: p.Arg449Ter; replaces arginine 449 with a stop codon.
Molecular consequence: nonsense.
Genome position (GRCh38, 1-based): chr9:13,206,045, G>A on the plus strand (C>T on the coding strand, the complement: MPDZ is on the minus strand). VCF-style: chr9-13206045-G-A. GRCh37 (hg19) VCF-style: chr9-13206044-G-A.
Other names: c.1345C>T, p.Arg449Ter (NM_001261406.2, NM_001261407.2, NM_001330637.2 and 14 more transcripts); short protein forms R449*.
Identifiers: ClinVar variation 2231572 (VCV002231572.3), dbSNP rs1297645338, ClinGen allele CA372943322.
Genomic context (GRCh38, chr9:13,206,045, plus strand): 5'-CGGCTTCCTGCTTCATTCCTCTCCTCATTAGTGTCAGGAGCACAGTTTGTCCTGTATGTC[G>A]CAATACCTCTACTGCTTGCTGATTAGTAAAACCCTGAAGGTTTGTGCCATCTACCTGTGA-3'

ClinVar aggregate classification (germline): Pathogenic/Likely pathogenic. Review status: criteria provided, multiple submitters, no conflicts (2 of 4 stars). 2 submissions from 2 submitters: Pathogenic (1); Likely pathogenic (1). Last evaluated 2021-06-12.

Conditions:
Inborn genetic diseases. Identifiers: MedGen C0950123, MeSH D030342.
MPDZ-related disorder. Also called: MPDZ-related condition.

Allele frequency attached by ClinVar (database versions not stated): gnomAD 0.00001; gnomAD exomes 0.00001.
gnomAD v4.1: 14 of 1,610,806 alleles (0.00087%); highest among the groups gnomAD compares: Admixed American, 0.0017%; no homozygotes.

Submissions (2):

Ambry Genetics
Classification: Pathogenic for Inborn genetic diseases. Last evaluated: 2021-06-12. Review status: criteria provided, single submitter. Criteria: Ambry Variant Classification Scheme 2023. Collection method: clinical testing. Allele origin: germline.
Comment: The c.1345C>T (p.R449*) alteration, located in exon 10 (coding exon 10) of the MPDZ gene, consists of a C to T substitution at nucleotide position 1345. This changes the amino acid from an arginine (R) to a stop codon at amino acid position 449. This alteration is expected to result in loss of function by premature protein truncation or nonsense-mediated mRNA decay. Based on data from the Genome Aggregation Database (gnomAD) database, the MPDZ c.1345C>T alteration was observed in 0.0004% (1/247,798) of total alleles studied. Based on the available evidence, this alteration is classified as pathogenic.

Blueprint Genetics
Classification: Likely pathogenic for MPDZ-related disorders. Last evaluated: 2020-08-05. Review status: criteria provided, single submitter. Criteria: ACMG Guidelines, 2015. Collection method: clinical testing. Allele origin: germline. Affected: yes. Observed: 1 variant allele.